The following is an entry in ClinVar:

ClinVar aggregate classification (germline): Uncertain significance. Review status: criteria provided, multiple submitters, no conflicts (2 of 4 stars). 2 submissions from 2 submitters: Uncertain significance (2). Last evaluated 2024-09-14.

Conditions:
Cardiovascular phenotype. Identifiers: MedGen CN230736.
Anterior segment dysgenesis. Also called: Ocular anterior segment dysgenesis. Identifiers: Orphanet 88632, MedGen C1862839, MONDO:0019503, HP:0007700.
Congenital primary aphakia. Also called: ANTERIOR SEGMENT DYSGENESIS 2; Anterior segment dysgenesis 2, multiple subtypes. Identifiers: Orphanet 83461, MedGen C1853230, MONDO:0012456, OMIM 610256.

Submissions (2):

Labcorp Genetics (formerly Invitae), Labcorp
Classification: Uncertain significance for Anterior segment dysgenesis; Congenital primary aphakia. Last evaluated: 2024-09-14. Review status: criteria provided, single submitter. Criteria: Invitae Variant Classification Sherloc (09022015). Collection method: clinical testing. Allele origin: germline.
Comment: This sequence change replaces glycine, which is neutral and non-polar, with arginine, which is basic and polar, at codon 49 of the FOXE3 protein (p.Gly49Arg). The frequency data for this variant in the population databases is considered unreliable, as metrics indicate insufficient coverage at this position in the gnomAD database. This variant has not been reported in the literature in individuals affected with FOXE3-related conditions. ClinVar contains an entry for this variant (Variation ID: 1773123). Invitae Evidence Modeling of protein sequence and biophysical properties (such as structural, functional, and spatial information, amino acid conservation, physicochemical variation, residue mobility, and thermodynamic stability) indicates that this missense variant is not expected to disrupt FOXE3 protein function with a negative predictive value of 80%. In summary, the available evidence is currently insufficient to determine the role of this variant in disease. Therefore, it has been classified as a Variant of Uncertain Significance.

Ambry Genetics
Classification: Uncertain significance for Cardiovascular phenotype. Last evaluated: 2022-02-20. Review status: criteria provided, single submitter. Criteria: Ambry Variant Classification Scheme 2023. Collection method: clinical testing. Allele origin: germline.
Comment: The p.G49R variant (also known as c.145G>A), located in coding exon 1 of the FOXE3 gene, results from a G to A substitution at nucleotide position 145. The glycine at codon 49 is replaced by arginine, an amino acid with dissimilar properties. This amino acid position is conserved. In addition, this alteration is predicted to be tolerated by in silico analysis. Since supporting evidence is limited at this time, the clinical significance of this alteration remains unclear.

NM_012186.3(FOXE3):c.145G>A (p.Gly49Arg)

Genes: FOXE3 (forkhead box E3; plus strand), LINC01389 (long independently transcribed non-coding RNA 1389; minus strand). Cytogenetic location: 1p33.
Variant type: single nucleotide variant.
Coding change: c.145G>A on transcript NM_012186.3 (MANE Select); coding-DNA position 145, G replaced by A.
Protein change: p.Gly49Arg; replaces glycine 49 with arginine.
Molecular consequence: missense variant.
Genome position (GRCh38, 1-based): chr1:47,416,460, G>A. VCF-style: chr1-47416460-G-A. GRCh37 (hg19) VCF-style: chr1-47882132-G-A.
Other names: short protein forms G49R.
Identifiers: ClinVar variation 1773123 (VCV001773123.5), dbSNP rs958293767, ClinGen allele CA340249124.